The following is an entry in ClinVar:

ClinVar aggregate classification (germline): Uncertain significance (1 of 4 stars; one submission).

Submission:

GeneDx
Classification: Uncertain significance. Last evaluated: 2026-03-22. Review status: criteria provided, single submitter. Criteria: GeneDx Variant Classification Process June 2021. Collection method: clinical testing. Allele origin: germline.
Comment: Not observed at significant frequency in large population cohorts (gnomAD); In silico analysis supports that this missense variant has a deleterious effect on protein structure/function; Has not been previously published as pathogenic or benign to our knowledge; This variant is associated with the following publications: (PMID: 17676033)

NM_139276.3(STAT3):c.1638G>T (p.Trp546Cys)

Gene: STAT3 (signal transducer and activator of transcription 3; minus strand). Cytogenetic location: 17q21.2.
Variant type: single nucleotide variant.
Coding change: c.1638G>T on transcript NM_139276.3 (MANE Select); coding-DNA position 1638, G replaced by T.
Protein change: p.Trp546Cys; replaces tryptophan 546 with cysteine.
Molecular consequence: missense variant.
Genome position (GRCh38, 1-based): chr17:42,323,588, C>A on the plus strand (G>T on the coding strand, the complement: STAT3 is on the minus strand). VCF-style: chr17-42323588-C-A. GRCh37 (hg19) VCF-style: chr17-40475606-C-A.
Other names: c.1638G>T, p.Trp546Cys (NM_001369512.1, NM_001369513.1, NM_001369514.1 and 10 more transcripts); c.1554G>T, p.Trp518Cys (NM_001384984.1); c.1560G>T, p.Trp520Cys (NM_001384985.1); c.1653G>T, p.Trp551Cys (NM_001384986.1, NM_001384990.1); c.1617G>T, p.Trp539Cys (NM_001384987.1); c.1542G>T, p.Trp514Cys (NM_001384989.1); c.1578G>T, p.Trp526Cys (NM_001384992.1); short protein forms W514C, W518C, W520C, W526C, W539C, W546C, W551C.
Identifiers: ClinVar variation 5017224 (VCV005017224.1).
Genomic context (GRCh38, chr17:42,323,588, plus strand): 5'-AGGTGAGCATTCCCATTCCCACGAGAATTTAACAAGATTGCTTACTTTGCAAAATTTAGC[C>A]CATGTGATCTGACACCCTGAATAATTCACACCAGGTCCTGAAGGAAAGAAAAAGAGTCAA-3'
Protein context (NP_644805.1, residues 536-556): GVNYSGCQIT[Trp546Cys]AKFCKENMAG